The following is an entry in ClinVar:

ClinVar aggregate classification (germline): Uncertain significance. Review status: criteria provided, multiple submitters, no conflicts (2 of 4 stars). 6 submissions from 5 submitters: Uncertain significance (6). Last evaluated 2025-12-08.

Conditions:
Colorectal cancer, susceptibility to, 12 (CRCS12). Also called: COLORECTAL CANCER, SUSCEPTIBILITY TO, ON CHROMOSOME 12q24. Identifiers: Orphanet 220460, MedGen C3554460, MONDO:0014038, OMIM 615083.
Intrauterine growth retardation, metaphyseal dysplasia, adrenal hypoplasia congenita, genital anomalies, and immunodeficiency. Also called: IMAGEI SYNDROME. Identifiers: MedGen C5193036, MONDO:0032684, OMIM 618336.
Facial dysmorphism-immunodeficiency-livedo-short stature syndrome. Also called: FILS syndrome; Facial dysmorphism, immunodeficiency, livedo, and short stature. Identifiers: Orphanet 352712, MedGen C3554576, MONDO:0014058, OMIM 615139.
Polymerase proofreading-related adenomatous polyposis. Also called: Polymerase proofreading associated polyposis; Polymerase proofreading–associated polyposis (PPAP). Identifiers: Orphanet 447877, MedGen C5202613, MONDO:0018653.
Familial colorectal cancer type X. Identifiers: Orphanet 440437, MedGen C3896578, MONDO:0018604.
Hereditary cancer-predisposing syndrome. Also called: Tumor predisposition; Hereditary neoplastic syndrome; Neoplastic Syndromes, Hereditary; Hereditary Cancer Syndrome. Identifiers: Orphanet 140162, MedGen C0027672, MeSH D009386, MONDO:0015356.

Allele frequency attached by ClinVar (database versions not stated): TOPMed 0.00002; gnomAD exomes below 0.00001.
gnomAD v4.1: 36 of 1,613,744 alleles (0.0022%); highest among the groups gnomAD compares: Non-Finnish European, 0.0029%; no homozygotes.

Submissions (6):

Labcorp Genetics (formerly Invitae), Labcorp
Classification: Uncertain significance. Last evaluated: 2025-12-08. Review status: criteria provided, single submitter. Criteria: Invitae Variant Classification Sherloc (09022015). Collection method: clinical testing. Allele origin: germline.
Comment: This sequence change replaces proline, which is neutral and non-polar, with alanine, which is neutral and non-polar, at codon 1505 of the POLE protein (p.Pro1505Ala). This variant is present in population databases (no rsID available, gnomAD 0.0009%). This variant has not been reported in the literature in individuals affected with POLE-related conditions. ClinVar contains an entry for this variant (Variation ID: 240524). Invitae Evidence Modeling of protein sequence and biophysical properties (such as structural, functional, and spatial information, amino acid conservation, physicochemical variation, residue mobility, and thermodynamic stability) indicates that this missense variant is not expected to disrupt POLE protein function with a negative predictive value of 80%. In summary, the available evidence is currently insufficient to determine the role of this variant in disease. Therefore, it has been classified as a Variant of Uncertain Significance.

GeneDx
Classification: Uncertain significance. Last evaluated: 2025-04-01. Review status: criteria provided, single submitter. Criteria: GeneDx Variant Classification Process June 2021. Collection method: clinical testing. Allele origin: germline.
Comment: Not observed at significant frequency in large population cohorts (gnomAD); In silico analysis supports that this missense variant has a deleterious effect on protein structure/function; Has not been previously published as pathogenic or benign to our knowledge

Ambry Genetics
Classification: Uncertain significance for Hereditary cancer-predisposing syndrome. Last evaluated: 2024-12-29. Review status: criteria provided, single submitter. Criteria: Ambry Variant Classification Scheme 2023. Collection method: clinical testing. Allele origin: germline.
Comment: The p.P1505A variant (also known as c.4513C>G), located in coding exon 35 of the POLE gene, results from a C to G substitution at nucleotide position 4513. The proline at codon 1505 is replaced by alanine, an amino acid with highly similar properties. This amino acid position is highly conserved in available vertebrate species. In addition, the in silico prediction for this alteration is inconclusive. Based on the available evidence, the clinical significance of this variant remains unclear.

Department of Pathology and Laboratory Medicine, Sinai Health System
Classification: Uncertain significance for Polymerase proofreading-related adenomatous polyposis; Familial colorectal cancer type X. Last evaluated: 2024-06-25. Review status: criteria provided, single submitter. Criteria: ACMG Guidelines, 2015. Collection method: clinical testing. Allele origin: germline. Affected: yes.

Fulgent Genetics
Classification: Uncertain significance for Colorectal cancer, susceptibility to, 12; Facial dysmorphism-immunodeficiency-livedo-short stature syndrome; Intrauterine growth retardation, metaphyseal dysplasia, adrenal hypoplasia congenita, genital anomalies, and immunodeficiency. Last evaluated: 2024-02-06. Review status: criteria provided, single submitter. Criteria: ACMG Guidelines, 2015. Collection method: clinical testing. Allele origin: germline.

Fulgent Genetics
Classification: Uncertain significance for Colorectal cancer, susceptibility to, 12; Facial dysmorphism-immunodeficiency-livedo-short stature syndrome. Last evaluated: 2018-10-31. Review status: criteria provided, single submitter. Criteria: ACMG Guidelines, 2015. Collection method: clinical testing. Allele origin: unknown.

NM_006231.4(POLE):c.4513C>G (p.Pro1505Ala)

Gene: POLE (DNA polymerase epsilon, catalytic subunit; minus strand). Cytogenetic location: 12q24.33.
Variant type: single nucleotide variant.
Coding change: c.4513C>G on transcript NM_006231.4 (MANE Select); coding-DNA position 4513, C replaced by G.
Protein change: p.Pro1505Ala; replaces proline 1505 with alanine.
Molecular consequence: missense variant.
Genome position (GRCh38, 1-based): chr12:132,643,262, G>C on the plus strand (C>G on the coding strand, the complement: POLE is on the minus strand). VCF-style: chr12-132643262-G-C. GRCh37 (hg19) VCF-style: chr12-133219848-G-C.
Other names: short protein forms P1505A.
Identifiers: ClinVar variation 240524 (VCV000240524.16), dbSNP rs878854873, ClinGen allele CA10582988.
Genomic context (GRCh38, chr12:132,643,262, plus strand): 5'-CCATGGAGGGCCCAGGACTCACAGTGTCCAGCACAAAGACGGATGCCCTGCGCTGTGAGG[G>C]GATGAAGATCCCGAAGAGCGCTTTGTGGGCCTGTGCGTGGTGGTACAGGTAGATATGGCG-3'
Protein context (NP_006222.2, residues 1495-1515): AHKALFGIFI[Pro1505Ala]SQRRASVFVL